The following is an entry in ClinVar:

NM_000256.3(MYBPC3):c.1225A>T (p.Lys409Ter)

Gene: MYBPC3 (myosin binding protein C3; minus strand). Cytogenetic location: 11p11.2.
Variant type: single nucleotide variant.
Coding change: c.1225A>T on transcript NM_000256.3 (MANE Select); coding-DNA position 1225, A replaced by T.
Protein change: p.Lys409Ter; replaces lysine 409 with a stop codon.
Molecular consequence: nonsense.
Genome position (GRCh38, 1-based): chr11:47,343,261, T>A on the plus strand (A>T on the coding strand, the complement: MYBPC3 is on the minus strand). VCF-style: chr11-47343261-T-A. GRCh37 (hg19) VCF-style: chr11-47364812-T-A.
Other names: c.1225A>T, p.Lys409Ter (LRG_386t1); short protein forms K409*.
Identifiers: ClinVar variation 427807 (VCV000427807.4), dbSNP rs1114167419, ClinGen allele CA380327855.

ClinVar aggregate classification (germline): Pathogenic. Review status: criteria provided, single submitter (1 of 4 stars). 2 submissions from 2 submitters: Pathogenic (1). 1 of the submissions does not count toward it. Last evaluated 2024-04-03.

Conditions:
Cardiovascular phenotype. Identifiers: MedGen CN230736.
Hypertrophic cardiomyopathy 4. Also called: Familial hypertrophic cardiomyopathy 4. Identifiers: MedGen C1861862, MONDO:0007268, OMIM 115197.

Submissions (2):

Ambry Genetics
Classification: Pathogenic for Cardiovascular phenotype. Last evaluated: 2024-04-03. Review status: criteria provided, single submitter. Criteria: Ambry Variant Classification Scheme 2023. Collection method: clinical testing. Allele origin: germline.
Comment: The p.K409* pathogenic mutation (also known as c.1225A>T), located in coding exon 14 of the MYBPC3 gene, results from an A to T substitution at nucleotide position 1225. This changes the amino acid from a lysine to a stop codon within coding exon 14. This variant is considered to be rare based on population cohorts in the Genome Aggregation Database (gnomAD). This alteration is expected to result in loss of function by premature protein truncation or nonsense-mediated mRNA decay. As such, this alteration is interpreted as a disease-causing mutation.

Institute of Human Genetics, University of Goettingen
Classification: Likely pathogenic for Hypertrophic cardiomyopathy 4. Last evaluated: 2017-04-25. Review status: no assertion criteria provided. Collection method: clinical testing. Allele origin: germline. Affected: yes. Observed: 1 variant allele, 1 heterozygote. Not counted in ClinVar's aggregate classification.
Comment: CARDIOMYOPATHY, FAMILIAL HYPERTROPHIC